The following is an entry in ClinVar:

ClinVar aggregate classification (germline): Uncertain significance (1 of 4 stars; one submission).

Conditions:
Baller-Gerold syndrome (BGS). Also called: CRANIOSYNOSTOSIS WITH RADIAL DEFECTS. Identifiers: Orphanet 1225, MedGen C0265308, MONDO:0009039, OMIM 218600.

gnomAD v4.1: 1 of 1,612,592 alleles (0.000062%); highest among the groups gnomAD compares: South Asian, 0.0011%; no homozygotes.

Submission:

Labcorp Genetics (formerly Invitae), Labcorp
Classification: Uncertain significance for Baller-Gerold syndrome. Last evaluated: 2024-11-24. Review status: criteria provided, single submitter. Criteria: Invitae Variant Classification Sherloc (09022015). Collection method: clinical testing. Allele origin: germline.
Comment: This sequence change replaces lysine, which is basic and polar, with glutamic acid, which is acidic and polar, at codon 1186 of the RECQL4 protein (p.Lys1186Glu). This variant is not present in population databases (gnomAD no frequency). This variant has not been reported in the literature in individuals affected with RECQL4-related conditions. Invitae Evidence Modeling of protein sequence and biophysical properties (such as structural, functional, and spatial information, amino acid conservation, physicochemical variation, residue mobility, and thermodynamic stability) indicates that this missense variant is expected to disrupt RECQL4 protein function with a positive predictive value of 80%. In summary, the available evidence is currently insufficient to determine the role of this variant in disease. Therefore, it has been classified as a Variant of Uncertain Significance.

NM_004260.4(RECQL4):c.3556A>G (p.Lys1186Glu)

Gene: RECQL4 (RecQ like helicase 4; minus strand). Cytogenetic location: 8q24.3.
Variant type: single nucleotide variant.
Coding change: c.3556A>G on transcript NM_004260.4 (MANE Select); coding-DNA position 3556, A replaced by G.
Protein change: p.Lys1186Glu; replaces lysine 1186 with glutamic acid.
Molecular consequence: missense variant. On other transcripts: non-coding transcript variant (3).
Genome position (GRCh38, 1-based): chr8:144,511,502, T>C on the plus strand (A>G on the coding strand, the complement: RECQL4 is on the minus strand). VCF-style: chr8-144511502-T-C. GRCh37 (hg19) VCF-style: chr8-145736885-T-C.
Other names: c.3262A>G, p.Lys1088Glu (NM_001413017.1); c.3358A>G, p.Lys1120Glu (NM_001413018.1); c.3631A>G, p.Lys1211Glu (NM_001413019.1); c.3460A>G, p.Lys1154Glu (NM_001413020.1); c.2485A>G, p.Lys829Glu (NM_001413021.1, NM_001413022.1, NM_001413024.1 and 4 more transcripts); c.2560A>G, p.Lys854Glu (NM_001413023.1); c.3427A>G, p.Lys1143Glu (NM_001413025.1); c.2419A>G, p.Lys807Glu (NM_001413027.1, NM_001413030.1, NM_001413032.1); and 9 more; short protein forms K1088E, K829E, K832E, K1069E, K1142E, K1143E, K1176E, K1186E.
Identifiers: ClinVar variation 3688094 (VCV003688094.2).